The following is an entry in ClinVar:

NM_000334.4(SCN4A):c.211C>T (p.Pro71Ser)

Gene: SCN4A (sodium voltage-gated channel alpha subunit 4; minus strand). Cytogenetic location: 17q23.3.
Variant type: single nucleotide variant.
Coding change: c.211C>T on transcript NM_000334.4 (MANE Select); coding-DNA position 211, C replaced by T.
Protein change: p.Pro71Ser; replaces proline 71 with serine.
Molecular consequence: missense variant.
Genome position (GRCh38, 1-based): chr17:63,972,631, G>A on the plus strand (C>T on the coding strand, the complement: SCN4A is on the minus strand). VCF-style: chr17-63972631-G-A. GRCh37 (hg19) VCF-style: chr17-62049991-G-A.
Other names: short protein forms P71S.
Identifiers: ClinVar variation 586507 (VCV000586507.15), dbSNP rs187055074, ClinGen allele CA8710256.
Genomic context (GRCh38, chr17:63,972,631, plus strand): 5'-TCTTATTGCTGTAGTAGGGATCCAGGTCCTCCAGGGGGATGCCGATGACCTCCGGCGGGG[G>A]GTCTCCGTAGATCATGGGTAGGTTCTTGCCAGCCTCCAAGTCACTTCGTGGCTTCCGTTC-3'
Protein context (NP_000325.4, residues 61-81): GKNLPMIYGD[Pro71Ser]PPEVIGIPLE

ClinVar aggregate classification (germline): Conflicting classifications of pathogenicity. Review status: criteria provided, conflicting classifications (1 of 4 stars). 4 submissions from 4 submitters: Uncertain significance (3); Benign (1). Last evaluated 2026-01-16.

Conditions:
Hyperkalemic periodic paralysis. Also called: Familial hyperkalemic periodic paralysis; Gamstorp disease. Identifiers: Orphanet 682, MedGen C0238357, MONDO:0008224, OMIM 170500, HP:0007215.
Congenital myasthenic syndrome 16. Identifiers: Orphanet 590, MedGen C3280112, MONDO:0013620, OMIM 614198.
Paramyotonia congenita of Von Eulenburg. Also called: Myotonia congenita intermittens; Von Eulenburg paramyotonia congenita; Paramyotonia Congenita; PARALYSIS PERIODICA PARAMYOTONICA; Eulenburg disease. Identifiers: Orphanet 684, MedGen C0221055, MONDO:0008195, OMIM 168300. Disease mechanism: loss of function.
Congenital myopathy 22A, classic (CMYO22A). Identifiers: MedGen C5830453, MONDO:0957247, OMIM 620351.
Congenital myopathy 22B, severe fetal (CMYO22B). Identifiers: MedGen C5830501, MONDO:0957265, OMIM 620369.
Hypokalemic periodic paralysis, type 2 (HOKPP2). Identifiers: Orphanet 681, MedGen C2750061, MONDO:0013234, OMIM 613345.
Potassium-aggravated myotonia. Also called: Myotonia congenita, atypical, acetazolamide-responsive; MYOTONIA CONGENITA, ACETAZOLAMIDE-RESPONSIVE; MYOTONIA CONGENITA, ATYPICAL; SODIUM CHANNEL MUSCLE DISEASE. Identifiers: Orphanet 612, Orphanet 99734, Orphanet 99735, Orphanet 99736, MedGen C2931826, MONDO:0018959, OMIM 608390.

Allele frequency attached by ClinVar (database versions not stated): gnomAD exomes 0.00008 and 0.00001; 1000 Genomes Project 30x 0.00031; TOPMed 0.00025; gnomAD 0.00017 and 0.00018; ExAC 0.00017; 1000 Genomes Project 0.00020; ESP Exome Variant Server 0.00040.

Submissions (4):

Labcorp Genetics (formerly Invitae), Labcorp
Classification: Uncertain significance for Hyperkalemic periodic paralysis. Last evaluated: 2026-01-16. Review status: criteria provided, single submitter. Criteria: Invitae Variant Classification Sherloc (09022015). Collection method: clinical testing. Allele origin: germline.
Comment: This sequence change replaces proline, which is neutral and non-polar, with serine, which is neutral and polar, at codon 71 of the SCN4A protein (p.Pro71Ser). This variant is present in population databases (rs187055074, gnomAD 0.1%). This variant has not been reported in the literature in individuals affected with SCN4A-related conditions. ClinVar contains an entry for this variant (Variation ID: 586507). Invitae Evidence Modeling of protein sequence and biophysical properties (such as structural, functional, and spatial information, amino acid conservation, physicochemical variation, residue mobility, and thermodynamic stability) has been performed for this missense variant. However, the output from this modeling did not meet the statistical confidence thresholds required to predict the impact of this variant on SCN4A protein function. In summary, the available evidence is currently insufficient to determine the role of this variant in disease. Therefore, it has been classified as a Variant of Uncertain Significance.

Fulgent Genetics
Classification: Uncertain significance for Paramyotonia congenita of Von Eulenburg; Hyperkalemic periodic paralysis; Potassium-aggravated myotonia; Hypokalemic periodic paralysis, type 2; Congenital myasthenic syndrome 16; Congenital myopathy 22A, classic; Congenital myopathy 22B, severe fetal. Last evaluated: 2024-04-10. Review status: criteria provided, single submitter. Criteria: ACMG Guidelines, 2015. Collection method: clinical testing. Allele origin: germline.

GeneDx
Classification: Uncertain significance. Last evaluated: 2021-08-11. Review status: criteria provided, single submitter. Criteria: GeneDx Variant Classification Process June 2021. Collection method: clinical testing. Allele origin: germline. Affected: yes.
Comment: In silico analysis supports that this missense variant has a deleterious effect on protein structure/function; Has not been previously published as pathogenic or benign to our knowledge

Athena Diagnostics
Classification: Benign. Last evaluated: 2017-09-20. Review status: criteria provided, single submitter. Criteria: Athena Diagnostics Criteria. Collection method: clinical testing. Allele origin: germline.